The following is an entry in ClinVar:

ClinVar aggregate classification (germline): Uncertain significance. Review status: criteria provided, multiple submitters, no conflicts (2 of 4 stars). 3 submissions from 3 submitters: Uncertain significance (3). Last evaluated 2021-07-15.

Conditions:
Rhabdoid tumor predisposition syndrome 2 (RTPS2). Identifiers: Orphanet 231108, Orphanet 69077, MedGen C2750074, MONDO:0013224, OMIM 613325.
Intellectual disability, autosomal dominant 16 (CSS4). Also called: COFFIN-SIRIS SYNDROME 4. Identifiers: Orphanet 1465, MedGen C3553249, MONDO:0013821, OMIM 614609.
Hereditary cancer-predisposing syndrome. Also called: Tumor predisposition; Hereditary neoplastic syndrome; Neoplastic Syndromes, Hereditary; Hereditary Cancer Syndrome. Identifiers: Orphanet 140162, MedGen C0027672, MeSH D009386, MONDO:0015356.

Submissions (3):

Genome-Nilou Lab
Classification: Uncertain significance for Intellectual disability, autosomal dominant 16. Last evaluated: 2021-07-15. Review status: criteria provided, single submitter. Criteria: ACMG Guidelines, 2015. Collection method: clinical testing. Allele origin: germline. Affected: no.

Labcorp Genetics (formerly Invitae), Labcorp
Classification: Uncertain significance for Rhabdoid tumor predisposition syndrome 2. Last evaluated: 2020-11-13. Review status: criteria provided, single submitter. Criteria: Invitae Variant Classification Sherloc (09022015). Collection method: clinical testing. Allele origin: germline.
Comment: In summary, the available evidence is currently insufficient to determine the role of this variant in disease. Therefore, it has been classified as a Variant of Uncertain Significance. Algorithms developed to predict the effect of missense changes on protein structure and function (SIFT, PolyPhen-2, Align-GVGD) all suggest that this variant is likely to be disruptive, but these predictions have not been confirmed by published functional studies and their clinical significance is uncertain. This variant has not been reported in the literature in individuals with SMARCA4-related conditions. This variant is not present in population databases (ExAC no frequency). This sequence change replaces isoleucine with threonine at codon 378 of the SMARCA4 protein (p.Ile378Thr). The isoleucine residue is highly conserved and there is a moderate physicochemical difference between isoleucine and threonine.

Ambry Genetics
Classification: Uncertain significance for Hereditary cancer-predisposing syndrome. Last evaluated: 2019-10-08. Review status: criteria provided, single submitter. Criteria: Ambry Variant Classification Scheme 2023. Collection method: clinical testing. Allele origin: germline.
Comment: The p.I378T variant (also known as c.1133T>C), located in coding exon 6 of the SMARCA4 gene, results from a T to C substitution at nucleotide position 1133. The isoleucine at codon 378 is replaced by threonine, an amino acid with similar properties. This amino acid position is highly conserved in available vertebrate species. In addition, this alteration is predicted to be deleterious by in silico analysis. Since supporting evidence is limited at this time, the clinical significance of this alteration remains unclear.

NM_003072.5(SMARCA4):c.1133T>C (p.Ile378Thr)

Gene: SMARCA4 (SWI/SNF related BAF chromatin remodeling complex subunit ATPase 4; plus strand). Cytogenetic location: 19p13.2.
Variant type: single nucleotide variant.
Coding change: c.1133T>C on transcript NM_003072.5 (MANE Select); coding-DNA position 1133, T replaced by C.
Protein change: p.Ile378Thr; replaces isoleucine 378 with threonine.
Molecular consequence: missense variant. On other transcripts: non-coding transcript variant (1).
Genome position (GRCh38, 1-based): chr19:10,989,331, T>C. VCF-style: chr19-10989331-T-C. GRCh37 (hg19) VCF-style: chr19-11100007-T-C.
Other names: c.1133T>C, p.Ile378Thr (NM_001128844.3, NM_001128845.2, NM_001128846.2 and 4 more transcripts); short protein forms I378T.
Identifiers: ClinVar variation 818402 (VCV000818402.15), dbSNP rs1599995171, ClinGen allele CA404059376.